The following is an entry in ClinVar:

ClinVar aggregate classification (germline): Uncertain significance (1 of 4 stars; one submission).

Conditions:
Familial thoracic aortic aneurysm and aortic dissection (TAAD). Also called: Thoracic aortic aneurysms and dissections. Identifiers: Orphanet 91387, MedGen C4707243, MONDO:0019625.

gnomAD v4.1: 1 of 1,612,450 alleles (0.000062%); highest among the groups gnomAD compares: Non-Finnish European, 0.000085%; no homozygotes.

Submission:

Ambry Genetics
Classification: Uncertain significance for Familial thoracic aortic aneurysm and aortic dissection. Last evaluated: 2024-12-28. Review status: criteria provided, single submitter. Criteria: Ambry Variant Classification Scheme 2023. Collection method: clinical testing. Allele origin: germline.
Comment: The p.T461A variant (also known as c.1381A>G), located in coding exon 4 of the SKI gene, results from an A to G substitution at nucleotide position 1381. The threonine at codon 461 is replaced by alanine, an amino acid with similar properties. This amino acid position is conserved. In addition, this alteration is predicted to be tolerated by in silico analysis. Based on the available evidence, the clinical significance of this variant remains unclear.

NM_003036.4(SKI):c.1381A>G (p.Thr461Ala)

Gene: SKI (SKI proto-oncogene; plus strand). Cytogenetic location: 1p36.32.
Variant type: single nucleotide variant.
Coding change: c.1381A>G on transcript NM_003036.4 (MANE Select); coding-DNA position 1381, A replaced by G.
Protein change: p.Thr461Ala; replaces threonine 461 with alanine.
Molecular consequence: missense variant.
Genome position (GRCh38, 1-based): chr1:2,304,009, A>G. VCF-style: chr1-2304009-A-G. GRCh37 (hg19) VCF-style: chr1-2235448-A-G.
Other names: short protein forms T461A.
Identifiers: ClinVar variation 3796261 (VCV003796261.1).